The following is an entry in ClinVar:

NM_001009944.3(PKD1):c.7065+2_7065+4del

Gene: PKD1 (polycystin 1, transient receptor potential channel interacting; minus strand). Cytogenetic location: 16p13.3.
Variant type: Deletion.
Coding change: c.7065+2_7065+4del on transcript NM_001009944.3 (MANE Select); the canonical splice donor site of the intron after coding-DNA position 7065 through 4 bases into the intron after coding-DNA position 7065, 3 bases deleted (TGG; older notation c.7065+2_7065+4delTGG).
Molecular consequence: splice donor variant.
Genome position (GRCh38, 1-based): chr16:2,107,879-2,107,881, CCA deleted on the plus strand (TGG on the coding strand, the reverse complement: PKD1 is on the minus strand); deleting any 3 consecutive bases within chr16:2,107,879-2,107,883 gives the same sequence; the c. name uses the placement nearest the transcript's 3' end. VCF-style (leftmost placement, unchanged base first): chr16-2107878-CCCA-C. GRCh37 (hg19) VCF-style: chr16-2157879-CCCA-C.
Other names: c.7065+2_7065+4del (NM_000296.4).
Identifiers: ClinVar variation 3383199 (VCV003383199.2).
Genomic context (GRCh38, chr16:2,107,878, plus strand): 5'-AACAGTAGATGACCAGGGAGGCTGGGCTGTCCAAGGCAAGTGGCCGAGGGGCGGGCGGCA[CCCA>C]CCGTCTGGTTGGTGGCCTCCTCCTTGCGGCCGGCCTTCCACACGGTCAGGCTGAAGGTGT-3'

ClinVar aggregate classification (germline): Uncertain significance (1 of 4 stars; one submission).

Conditions:
Polycystic kidney disease, adult type (PKD1). Also called: POLYCYSTIC KIDNEY DISEASE, ADULT, TYPE I; Polycystic Kidney Disease 1, Autosomal Dominant; Polycystic kidney disease 1; Polycystic kidney disease 1, severe; Polycystic Kidney, Autosomal Dominant; POLYCYSTIC KIDNEY DISEASE 1 WITH OR WITHOUT POLYCYSTIC LIVER DISEASE. Identifiers: MedGen C3149841, MONDO:0008263, OMIM 173900.

Submission:

Juno Genomics, Hangzhou Juno Genomics, Inc
Classification: Uncertain significance for Polycystic kidney disease, adult type. Review status: criteria provided, single submitter. Criteria: ACMG Guidelines, 2015. Collection method: clinical testing. Allele origin: germline. Affected: yes.
Comment: Absent from controls (or at extremely low frequency if recessive) in Genome Aggregation Database, Exome Sequencing Project, 1000 Genomes Project, or Exome Aggregation Consortium.;Null variant in a gene where loss of function (LOF) is a known mechanism of disease.;Patient's phenotype or family history is highly specific for a disease with a single genetic etiology.